The following is an entry in ClinVar:

NM_000540.3(RYR1):c.7191C>T (p.Ile2397=)

Gene: RYR1 (ryanodine receptor 1; plus strand). Cytogenetic location: 19q13.2.
Variant type: single nucleotide variant.
Coding change: c.7191C>T on transcript NM_000540.3 (MANE Select); coding-DNA position 7191, C replaced by T.
Protein change: p.Ile2397=; no amino-acid change (isoleucine 2397 retained).
Molecular consequence: synonymous variant.
Genome position (GRCh38, 1-based): chr19:38,499,798, C>T. VCF-style: chr19-38499798-C-T. GRCh37 (hg19) VCF-style: chr19-38990438-C-T.
Other names: c.7191C>T, p.Ile2397= (NM_001042723.2).
Identifiers: ClinVar variation 3070482 (VCV003070482.1), dbSNP rs2514314002, ClinGen allele CA507353920.

ClinVar aggregate classification (germline): Likely benign (1 of 4 stars; one submission).

Conditions:
Malignant hyperthermia, susceptibility to, 1 (MHS1). Also called: RYR1-Related Malignant Hyperthermia Susceptibility; Anesthesia related hyperthermia; Malignant hyperpyrexia; Fulminating hyperpyrexia; Pharmacogenic myopathy; Malignant hyperthermia suceptibility 1. Identifiers: Orphanet 423, MedGen C2930980, MONDO:0007783, OMIM 145600.

Submission:

All of Us Research Program, National Institutes of Health
Classification: Likely benign for Malignant hyperthermia, susceptibility to, 1. Last evaluated: 2023-04-10. Review status: criteria provided, single submitter. Criteria: ACMG Guidelines, 2015. Collection method: clinical testing. Allele origin: germline. Inheritance: Autosomal dominant inheritance. Observed: 1 variant allele, 1 heterozygote.
Comment: This study involves interpretation of variants in research participants for the purpose of population health screening. Participant phenotype was not available at the time of variant classification. Additional details can be found in publication PMID: 35346344, PMCID: PMC8962531